The following is an entry in ClinVar:

ClinVar aggregate classification (germline): Uncertain significance (1 of 4 stars; one submission).

Submission:

Labcorp Genetics (formerly Invitae), Labcorp
Classification: Uncertain significance. Last evaluated: 2024-01-25. Review status: criteria provided, single submitter. Criteria: Invitae Variant Classification Sherloc (09022015). Collection method: clinical testing. Allele origin: unknown.
Comment: A copy number gain of the genomic region encompassing the full coding sequence of the AMER1 gene has been identified. The boundaries of this event are unknown as they extend beyond the assayed region for this gene and therefore may encompass additional genes. As the precise location of this event is unknown, it may be in tandem or it may be located elsewhere in the genome. This variant has not been reported in the literature in individuals affected with AMER1-related conditions. Experimental studies and prediction algorithms are not available or were not evaluated, and the functional significance of this variant is currently unknown. In summary, the available evidence is currently insufficient to determine the role of this variant in disease. Therefore, it has been classified as a Variant of Uncertain Significance.

NC_000023.10:g.(?_63409759)_(71933728_?)dup

Genes: AMER1 (APC membrane recruitment protein 1; minus strand), AR (androgen receptor; plus strand), ARR3 (arrestin 3; plus strand), ASB12 (ankyrin repeat and SOCS box containing 12; minus strand), AWAT1 (acyl-CoA wax alcohol acyltransferase 1; plus strand) and 52 more. Cytogenetic location: Xq11.2-13.2.
Variant type: Duplication.
Identifiers: ClinVar variation 3246916 (VCV003246916.1).